The following is an entry in ClinVar:

NM_001364905.1(LRBA):c.1025A>G (p.Lys342Arg)

Gene: LRBA (LPS responsive beige-like anchor protein; minus strand). Cytogenetic location: 4q31.3.
Variant type: single nucleotide variant.
Coding change: c.1025A>G on transcript NM_001364905.1 (MANE Select); coding-DNA position 1025, A replaced by G.
Protein change: p.Lys342Arg; replaces lysine 342 with arginine.
Molecular consequence: missense variant.
Genome position (GRCh38, 1-based): chr4:150,914,331, T>C on the plus strand (A>G on the coding strand, the complement: LRBA is on the minus strand). VCF-style: chr4-150914331-T-C. GRCh37 (hg19) VCF-style: chr4-151835483-T-C.
Other names: c.1025A>G, p.Lys342Arg (NM_001199282.3, NM_001367550.1, NM_006726.5); short protein forms K342R.
Identifiers: ClinVar variation 999922 (VCV000999922.8), dbSNP rs201545103, ClinGen allele CA3103678.

ClinVar aggregate classification (germline): Uncertain significance. Review status: criteria provided, multiple submitters, no conflicts (2 of 4 stars). 2 submissions from 2 submitters: Uncertain significance (2). Last evaluated 2024-08-13.

Conditions:
Combined immunodeficiency due to LRBA deficiency. Also called: Common variable immunodeficiency 8, with autoimmunity. Identifiers: Orphanet 445018, MedGen C3553512, MONDO:0013863, OMIM 614700.

Allele frequency attached by ClinVar (database versions not stated): gnomAD exomes 0.00003 and 0.00007; ExAC 0.00004; gnomAD 0.00006; TOPMed 0.00008; ESP Exome Variant Server 0.00023.
gnomAD v4.1: 103 of 1,514,842 alleles (0.0068%); highest among the groups gnomAD compares: Middle Eastern, 0.018%; no homozygotes.

Submissions (3):

Blueprint Genetics
Classification: Uncertain significance. Last evaluated: 2024-08-13. Review status: criteria provided, single submitter. Criteria: ACMG Guidelines, 2015. Collection method: clinical testing. Allele origin: germline.

Labcorp Genetics (formerly Invitae), Labcorp
Classification: Uncertain significance for Combined immunodeficiency due to LRBA deficiency. Last evaluated: 2024-01-21. Review status: criteria provided, single submitter. Criteria: Invitae Variant Classification Sherloc (09022015). Collection method: clinical testing. Allele origin: germline.
Comment: This sequence change replaces lysine, which is basic and polar, with arginine, which is basic and polar, at codon 342 of the LRBA protein (p.Lys342Arg). This variant is present in population databases (rs201545103, gnomAD 0.007%). This variant has not been reported in the literature in individuals affected with LRBA-related conditions. ClinVar contains an entry for this variant (Variation ID: 999922). Advanced modeling of protein sequence and biophysical properties (such as structural, functional, and spatial information, amino acid conservation, physicochemical variation, residue mobility, and thermodynamic stability) performed at Invitae indicates that this missense variant is expected to disrupt LRBA protein function with a positive predictive value of 80%. In summary, the available evidence is currently insufficient to determine the role of this variant in disease. Therefore, it has been classified as a Variant of Uncertain Significance.

Dr. Peter K. Rogan Lab, Western University
No classification provided (evidence only). Condition: Ovarian serous cystadenocarcinoma. Review status: no classification provided. Collection method: in vitro. Allele origin: not applicable. Functional consequence: retained intron. Not counted in ClinVar's aggregate classification.